The following is an entry in ClinVar:

NM_017617.5(NOTCH1):c.5124G>T (p.Ser1708=)

Gene: NOTCH1 (notch receptor 1; minus strand). Cytogenetic location: 9q34.3.
Variant type: single nucleotide variant.
Coding change: c.5124G>T on transcript NM_017617.5 (MANE Select); coding-DNA position 5124, G replaced by T.
Protein change: p.Ser1708=; no amino-acid change (serine 1708 retained).
Molecular consequence: synonymous variant.
Genome position (GRCh38, 1-based): chr9:136,503,225, C>A on the plus strand (G>T on the coding strand, the complement: NOTCH1 is on the minus strand). VCF-style: chr9-136503225-C-A. GRCh37 (hg19) VCF-style: chr9-139397677-C-A.
Other names: p.Ser1708=; c.5124G>T (NM_017617.4); c.5124G>T, p.Ser1708= (LRG_1122t1).
Identifiers: ClinVar variation 241147 (VCV000241147.55), dbSNP rs35980907, ClinGen allele CA5340437.
Genomic context (GRCh38, chr9:136,503,225, plus strand): 5'-GATGGGGCCACACTTACTCTGCACGGCCTCGATCTTGTAGGGGATGTTGAGGCTGCCCAG[C>A]GAGGCGAGCGCTCCCAGGAATGCGGCCACGTCGGTGGCACTCTGGAAGCACTGCGAGGAG-3'
Protein context (NP_060087.3, residues 1698-1718): DVAAFLGALA[Ser1708=]LGSLNIPYKI

ClinVar aggregate classification (germline): Benign/Likely benign. Review status: criteria provided, multiple submitters, no conflicts (2 of 4 stars). 17 submissions from 16 submitters: Benign (9); Likely benign (5). 3 of the submissions do not count toward it. Last evaluated 2026-09-01.
ClinVar aggregate classification (oncogenicity): Likely benign (1 of 4 stars; one submission).

Conditions:
Connective tissue disorder. Also called: Connective tissue disease. Identifiers: MedGen C0009782, MONDO:0003900.
Adams-Oliver syndrome 5 (AOS5). Identifiers: Orphanet 974, MedGen C4014970, MONDO:0014459, OMIM 616028.
Aortic valve disease 1 (AOVD1). Identifiers: MedGen C3887892, MONDO:0024523, OMIM 109730.
Familial thoracic aortic aneurysm and aortic dissection (TAAD). Also called: Thoracic aortic aneurysms and dissections. Identifiers: Orphanet 91387, MedGen C4707243, MONDO:0019625.
Neoplasm. Also called: tumor; Neoplasms; Neoplasm (disease). Identifiers: MedGen C0027651, MeSH D009369, MONDO:0005070, HP:0002664.

Allele frequency attached by ClinVar (database versions not stated): 1000 Genomes Project 0.00160; 1000 Genomes Project 30x 0.00172; ESP Exome Variant Server 0.00528; TOPMed 0.00529; gnomAD 0.00561.
gnomAD v4.1: 10,847 of 1,612,792 alleles (0.67%); highest among the groups gnomAD compares: Non-Finnish European, 0.84%; 46 homozygotes.

Submissions (18):

CeGaT Center for Human Genetics Tuebingen
Classification: Likely benign. Last evaluated: 2026-09-01. Review status: criteria provided, single submitter. Criteria: CeGaT Center For Human Genetics Tuebingen Variant Classification Criteria Version 2. Collection method: clinical testing. Allele origin: germline. Affected: yes. Observed: 16 variant alleles.
Comment: NOTCH1: BP4, BP7, BS2

Labcorp Genetics (formerly Invitae), Labcorp
Classification: Benign for Adams-Oliver syndrome 5. Last evaluated: 2026-02-02. Review status: criteria provided, single submitter. Criteria: Invitae Variant Classification Sherloc (09022015). Collection method: clinical testing. Allele origin: germline.

ARUP Laboratories, Molecular Genetics and Genomics, ARUP Laboratories
Classification: Benign. Last evaluated: 2025-07-10. Review status: criteria provided, single submitter. Criteria: ARUP Molecular Germline Variant Investigation Process 2024. Collection method: clinical testing. Allele origin: germline.

Center for Genomic Medicine, Rigshospitalet, Copenhagen University Hospital
Classification: Likely benign for Neoplasm. Last evaluated: 2025-03-04. Review status: criteria provided, single submitter. Criteria: ClinGen/CGC/VICC Guidelines for Oncogenicity, 2022. Collection method: clinical testing. Allele origin: somatic. Affected: yes.

Blueprint Genetics
Classification: Likely benign. Last evaluated: 2024-11-18. Review status: criteria provided, single submitter. Criteria: ACMG Guidelines, 2015. Collection method: clinical testing. Allele origin: germline.

Women's Health and Genetics/Laboratory Corporation of America, LabCorp
Classification: Benign. Last evaluated: 2023-07-21. Review status: criteria provided, single submitter. Criteria: LabCorp Variant Classification Summary - May 2015. Collection method: clinical testing. Allele origin: germline.

Mayo Clinic Laboratories, Mayo Clinic
Classification: Benign. Last evaluated: 2022-05-20. Review status: criteria provided, single submitter. Criteria: ACMG Guidelines, 2015. Collection method: clinical testing. Allele origin: germline. Observed: 28 variant alleles.
Comment: BS1, BS2, BP4, BP7

Genome-Nilou Lab
Classification: Benign for Adams-Oliver syndrome 5. Last evaluated: 2022-03-15. Review status: criteria provided, single submitter. Criteria: ACMG Guidelines, 2015. Collection method: clinical testing. Allele origin: germline. Affected: no.

Genome-Nilou Lab
Classification: Benign for Aortic valve disease 1. Last evaluated: 2022-03-15. Review status: criteria provided, single submitter. Criteria: ACMG Guidelines, 2015. Collection method: clinical testing. Allele origin: germline. Affected: no.

Fulgent Genetics
Classification: Benign for Aortic valve disease 1; Adams-Oliver syndrome 5. Last evaluated: 2021-07-02. Review status: criteria provided, single submitter. Criteria: ACMG Guidelines, 2015. Collection method: clinical testing. Allele origin: unknown.

CHEO Genetics Diagnostic Laboratory, Children's Hospital of Eastern Ontario
Classification: Benign for Familial thoracic aortic aneurysm and aortic dissection. Last evaluated: 2017-01-04. Review status: criteria provided, single submitter. Criteria: ACMG Guidelines, 2015. Collection method: clinical testing. Allele origin: germline. Study: Canadian Open Genetics Repository.

GeneDx
Classification: Benign. Last evaluated: 2016-11-03. Review status: criteria provided, single submitter. Criteria: GeneDx Variant Classification (06012015). Collection method: clinical testing. Allele origin: germline. Affected: yes.
Comment: This variant is considered likely benign or benign based on one or more of the following criteria: it is a conservative change, it occurs at a poorly conserved position in the protein, it is predicted to be benign by multiple in silico algorithms, and/or has population frequency not consistent with disease.

Center for Human Genetics, Inc
Classification: Likely benign for Connective tissue disorder. Last evaluated: 2016-11-01. Review status: criteria provided, single submitter. Criteria: ACMG Guidelines, 2015. Collection method: clinical testing. Allele origin: germline. Affected: yes.

Ambry Genetics
Classification: Likely benign for Familial thoracic aortic aneurysm and aortic dissection. Last evaluated: 2015-04-03. Review status: criteria provided, single submitter. Criteria: Ambry Variant Classification Scheme 2023. Collection method: clinical testing. Allele origin: germline.

Breakthrough Genomics
Classification: Likely benign. Review status: criteria provided, single submitter. Criteria: ACMG Guidelines, 2015. Collection method: not provided. Allele origin: germline. Inheritance: Autosomal dominant inheritance. Affected: yes.

Clinical Genetics DNA and cytogenetics Diagnostics Lab, Erasmus MC, Erasmus Medical Center
Classification: Likely benign. Review status: no assertion criteria provided. Collection method: clinical testing. Allele origin: germline. Affected: yes. Study: VKGL Data-share Consensus. Not counted in ClinVar's aggregate classification.

Genome Diagnostics Laboratory, Amsterdam University Medical Center
Classification: Benign. Review status: no assertion criteria provided. Collection method: clinical testing. Allele origin: germline. Affected: yes. Study: VKGL Data-share Consensus. Not counted in ClinVar's aggregate classification.

Joint Genome Diagnostic Labs from Nijmegen and Maastricht, Radboudumc and MUMC+
Classification: Likely benign. Review status: no assertion criteria provided. Collection method: clinical testing. Allele origin: germline. Affected: yes. Study: VKGL Data-share Consensus. Not counted in ClinVar's aggregate classification.

Literature cited by the submitters: PubMed 24943832 (cited by Women's Health and Genetics/Laboratory Corporation of America, LabCorp); PubMed 16614245 (cited by Women's Health and Genetics/Laboratory Corporation of America, LabCorp); PubMed 21670202 (cited by Women's Health and Genetics/Laboratory Corporation of America, LabCorp); PubMed 22210878 (cited by Women's Health and Genetics/Laboratory Corporation of America, LabCorp); PubMed 19635999 (cited by Women's Health and Genetics/Laboratory Corporation of America, LabCorp); PubMed 26837699 (cited by Women's Health and Genetics/Laboratory Corporation of America, LabCorp); PubMed 23086750 (cited by Women's Health and Genetics/Laboratory Corporation of America, LabCorp); PubMed 19245433 (cited by Women's Health and Genetics/Laboratory Corporation of America, LabCorp); PubMed 22077063 (cited by Women's Health and Genetics/Laboratory Corporation of America, LabCorp); PubMed 15472075 (cited by Women's Health and Genetics/Laboratory Corporation of America, LabCorp); PubMed 23734977 (cited by Women's Health and Genetics/Laboratory Corporation of America, LabCorp); PubMed 22858860 (cited by Women's Health and Genetics/Laboratory Corporation of America, LabCorp).